The following is an entry in ClinVar:

ClinVar aggregate classification (germline): Benign/Likely benign. Review status: criteria provided, multiple submitters, no conflicts (2 of 4 stars). 10 submissions from 10 submitters: Benign (2); Likely benign (3). 5 of the submissions do not count toward it. Last evaluated 2026-02-02.

Conditions:
Donnai-Barrow syndrome. Also called: DBS/FOAR SYNDROME; FACIOOCULOACOUSTICORENAL SYNDROME. Identifiers: Orphanet 2143, MedGen C1857277, MONDO:0009104, OMIM 222448.
LRP2-related disorder. Also called: LRP2-related condition.

Allele frequency attached by ClinVar (database versions not stated): 1000 Genomes Project 0.00080; 1000 Genomes Project 30x 0.00094; gnomAD exomes 0.00155 and 0.00253; gnomAD 0.00195 and 0.00196; ExAC 0.00222; TOPMed 0.00243; ESP Exome Variant Server 0.00277.
gnomAD v4.1: 2,691 of 1,614,070 alleles (0.17%); highest among the groups gnomAD compares: Middle Eastern, 1.8%; 24 homozygotes.

Submissions (10):

Labcorp Genetics (formerly Invitae), Labcorp
Classification: Benign. Last evaluated: 2026-02-02. Review status: criteria provided, single submitter. Criteria: Invitae Variant Classification Sherloc (09022015). Collection method: clinical testing. Allele origin: germline.

CeGaT Center for Human Genetics Tuebingen
Classification: Likely benign. Last evaluated: 2024-12-01. Review status: criteria provided, single submitter. Criteria: CeGaT Center For Human Genetics Tuebingen Variant Classification Criteria Version 2. Collection method: clinical testing. Allele origin: germline. Affected: yes. Observed: 9 variant alleles.
Comment: LRP2: BP4, BS2

Genome-Nilou Lab
Classification: Benign for Donnai-Barrow syndrome. Last evaluated: 2021-07-15. Review status: criteria provided, single submitter. Criteria: ACMG Guidelines, 2015. Collection method: clinical testing. Allele origin: germline. Affected: no.

Illumina Laboratory Services, Illumina
Classification: Likely benign for Donnai-Barrow syndrome. Last evaluated: 2018-01-13. Review status: criteria provided, single submitter. Criteria: ICSL Variant Classification Criteria 13 December 2019. Collection method: clinical testing. Allele origin: germline.
Comment: This variant was observed in the ICSL laboratory as part of a predisposition screen in an ostensibly healthy population. It had not been previously curated by ICSL or reported in the Human Gene Mutation Database (HGMD: prior to June 1st, 2018), and was therefore a candidate for classification through an automated scoring system. Utilizing variant allele frequency, disease prevalence and penetrance estimates, and inheritance mode, an automated score was calculated to assess if this variant is too frequent to cause the disease. Based on the score and internal cut-off values, a variant classified as likely benign is not then subjected to further curation. The score for this variant resulted in a classification of likely benign for this disease.

Breakthrough Genomics
Classification: Likely benign. Review status: criteria provided, single submitter. Criteria: ACMG Guidelines, 2015. Collection method: not provided. Allele origin: germline. Inheritance: Autosomal recessive inheritance. Affected: yes.

PreventionGenetics, part of Exact Sciences
Classification: Benign for LRP2-related condition. Last evaluated: 2019-03-04. Review status: no assertion criteria provided. Collection method: clinical testing. Allele origin: germline. Not counted in ClinVar's aggregate classification.
Comment: This variant is classified as benign based on ACMG/AMP sequence variant interpretation guidelines (Richards et al. 2015 PMID: 25741868, with internal and published modifications).

Clinical Genetics DNA and cytogenetics Diagnostics Lab, Erasmus MC, Erasmus Medical Center
Classification: Likely benign. Review status: no assertion criteria provided. Collection method: clinical testing. Allele origin: germline. Affected: yes. Study: VKGL Data-share Consensus. Not counted in ClinVar's aggregate classification.

Diagnostic Laboratory, Department of Genetics, University Medical Center Groningen
Classification: Likely benign for Donnai-Barrow syndrome. Review status: no assertion criteria provided. Collection method: clinical testing. Allele origin: germline. Affected: yes. Study: VKGL Data-share Consensus. Not counted in ClinVar's aggregate classification.

Genome Diagnostics Laboratory, University Medical Center Utrecht
Classification: Likely benign. Review status: no assertion criteria provided. Collection method: clinical testing. Allele origin: germline. Affected: yes. Study: VKGL Data-share Consensus. Not counted in ClinVar's aggregate classification.

Laboratory of Diagnostic Genome Analysis, Leiden University Medical Center (LUMC)
Classification: Likely benign. Review status: no assertion criteria provided. Collection method: clinical testing. Allele origin: germline. Affected: yes. Study: VKGL Data-share Consensus. Not counted in ClinVar's aggregate classification.

NM_004525.3(LRP2):c.12380G>A (p.Arg4127His)

Gene: LRP2 (LDL receptor related protein 2; minus strand). Cytogenetic location: 2q31.1.
Variant type: single nucleotide variant.
Coding change: c.12380G>A on transcript NM_004525.3 (MANE Select); coding-DNA position 12380, G replaced by A.
Protein change: p.Arg4127His; replaces arginine 4127 with histidine.
Molecular consequence: missense variant.
Genome position (GRCh38, 1-based): chr2:169,152,880, C>T on the plus strand (G>A on the coding strand, the complement: LRP2 is on the minus strand). VCF-style: chr2-169152880-C-T. GRCh37 (hg19) VCF-style: chr2-170009390-C-T.
Other names: short protein forms R4127H.
Identifiers: ClinVar variation 518333 (VCV000518333.45), dbSNP rs142934522, ClinGen allele CA1952817.